The following is an entry in ClinVar:

ClinVar aggregate classification (germline): Uncertain significance (1 of 4 stars; one submission).

Conditions:
Early-infantile DEE. Also called: Ohtahara syndrome; Early infantile epileptic encephalopathy; Early infantile epileptic encephalopathy with suppression bursts. Identifiers: Orphanet 1934, MedGen C0393706, MONDO:0800491.

Submission:

Labcorp Genetics (formerly Invitae), Labcorp
Classification: Uncertain significance for Early-infantile DEE. Last evaluated: 2024-04-29. Review status: criteria provided, single submitter. Criteria: Invitae Variant Classification Sherloc (09022015). Collection method: clinical testing. Allele origin: germline.
Comment: This sequence change replaces aspartic acid, which is acidic and polar, with glycine, which is neutral and non-polar, at codon 794 of the KCNQ2 protein (p.Asp794Gly). This variant is not present in population databases (gnomAD no frequency). This variant has not been reported in the literature in individuals affected with KCNQ2-related conditions. An algorithm developed to predict the effect of missense changes on protein structure and function (PolyPhen-2) suggests that this variant is likely to be disruptive. In summary, the available evidence is currently insufficient to determine the role of this variant in disease. Therefore, it has been classified as a Variant of Uncertain Significance.

NM_172107.4(KCNQ2):c.2381A>G (p.Asp794Gly)

Gene: KCNQ2 (potassium voltage-gated channel subfamily Q member 2; minus strand). Cytogenetic location: 20q13.33.
Variant type: single nucleotide variant.
Coding change: c.2381A>G on transcript NM_172107.4 (MANE Select); coding-DNA position 2381, A replaced by G.
Protein change: p.Asp794Gly; replaces aspartic acid 794 with glycine.
Molecular consequence: missense variant.
Genome position (GRCh38, 1-based): chr20:63,406,882, T>C on the plus strand (A>G on the coding strand, the complement: KCNQ2 is on the minus strand). VCF-style: chr20-63406882-T-C. GRCh37 (hg19) VCF-style: chr20-62038235-T-C.
Other names: c.2435A>G, p.Asp812Gly (NM_001382235.1); c.2297A>G, p.Asp766Gly (NM_004518.6); c.2327A>G, p.Asp776Gly (NM_172106.3); c.2288A>G, p.Asp763Gly (NM_172108.5); short protein forms D776G, D794G, D812G, D763G, D766G.
Identifiers: ClinVar variation 3651493 (VCV003651493.2).
Genomic context (GRCh38, chr20:63,406,882, plus strand): 5'-AGGTTCTCCTTGGACTGGGAGATGCTGAAGCCGCTGAAGGAACGCTCCAGCTCCTCGTGG[T>C]CCACGGACGGGATGGAGATGGACGTGTCGCTGTCCCGCAGGTTCCCCTCGGGGGGCCTGC-3'
Protein context (NP_742105.1, residues 784-804): SDTSISIPSV[Asp794Gly]HEELERSFSG